The following is an entry in ClinVar:

NM_001369.3(DNAH5):c.13837G>A (p.Val4613Met)

Gene: DNAH5 (dynein axonemal heavy chain 5; minus strand). Cytogenetic location: 5p15.2.
Variant type: single nucleotide variant.
Coding change: c.13837G>A on transcript NM_001369.3 (MANE Select); coding-DNA position 13837, G replaced by A.
Protein change: p.Val4613Met; replaces valine 4613 with methionine.
Molecular consequence: missense variant.
Genome position (GRCh38, 1-based): chr5:13,692,022, C>T on the plus strand (G>A on the coding strand, the complement: DNAH5 is on the minus strand). VCF-style: chr5-13692022-C-T. GRCh37 (hg19) VCF-style: chr5-13692131-C-T.
Other names: short protein forms V4613M.
Identifiers: ClinVar variation 1666621 (VCV001666621.10), dbSNP rs147583407, ClinGen allele CA3201231.

ClinVar aggregate classification (germline): Conflicting classifications of pathogenicity. Review status: criteria provided, conflicting classifications (1 of 4 stars). 2 submissions from 2 submitters: Uncertain significance (1); Likely benign (1). Last evaluated 2026-01-14.

Conditions:
Primary ciliary dyskinesia. Also called: Ciliary dyskinesia. Identifiers: Orphanet 244, MedGen C0008780, MONDO:0016575, HP:0012265.

Allele frequency attached by ClinVar (database versions not stated): gnomAD exomes 0.00005; ExAC 0.00008; 1000 Genomes Project 30x 0.00016; gnomAD 0.00016 and 0.00018; 1000 Genomes Project 0.00020; TOPMed 0.00020; ESP Exome Variant Server 0.00023.
gnomAD v4.1: 51 of 1,614,154 alleles (0.0032%); highest among the groups gnomAD compares: African/African-American, 0.053%; no homozygotes.

Submissions (2):

Labcorp Genetics (formerly Invitae), Labcorp
Classification: Likely benign for Primary ciliary dyskinesia. Last evaluated: 2026-01-14. Review status: criteria provided, single submitter. Criteria: Invitae Variant Classification Sherloc (09022015). Collection method: clinical testing. Allele origin: germline.

Ambry Genetics
Classification: Uncertain significance for Primary ciliary dyskinesia. Last evaluated: 2021-06-24. Review status: criteria provided, single submitter. Criteria: Ambry Variant Classification Scheme 2023. Collection method: clinical testing. Allele origin: germline.
Comment: The p.V4613M variant (also known as c.13837G>A), located in coding exon 79 of the DNAH5 gene, results from a G to A substitution at nucleotide position 13837. The valine at codon 4613 is replaced by methionine, an amino acid with highly similar properties. This amino acid position is not well conserved in available vertebrate species. In addition, this alteration is predicted to be tolerated by in silico analysis. Since supporting evidence is limited at this time, the clinical significance of this alteration remains unclear.